The following is an entry in ClinVar:

ClinVar aggregate classification (germline): Likely benign (0 of 4 stars; one submission).

Conditions:
TCOF1-related disorder. Also called: TCOF1-related condition.

Allele frequency attached by ClinVar (database versions not stated): gnomAD exomes below 0.00001; gnomAD 0.00001; TOPMed 0.00001.
gnomAD v4.1: 8 of 1,614,008 alleles (0.0005%); highest among the groups gnomAD compares: East Asian, 0.0022%; no homozygotes.

Submission:

PreventionGenetics, part of Exact Sciences
Classification: Likely benign for TCOF1-related condition. Last evaluated: 2021-10-18. Review status: no assertion criteria provided. Collection method: clinical testing. Allele origin: germline.
Comment: This variant is classified as likely benign based on ACMG/AMP sequence variant interpretation guidelines (Richards et al. 2015 PMID: 25741868, with internal and published modifications).

NM_001371623.1(TCOF1):c.207G>A (p.Ala69=)

Gene: TCOF1 (treacle ribosome biogenesis factor 1; plus strand). Cytogenetic location: 5q32.
Variant type: single nucleotide variant.
Coding change: c.207G>A on transcript NM_001371623.1 (MANE Select); coding-DNA position 207, G replaced by A.
Protein change: p.Ala69=; no amino-acid change (alanine 69 retained).
Molecular consequence: synonymous variant.
Genome position (GRCh38, 1-based): chr5:150,364,155, G>A. VCF-style: chr5-150364155-G-A. GRCh37 (hg19) VCF-style: chr5-149743718-G-A.
Other names: c.207G>A, p.Ala69= (NM_000356.4, NM_001008657.3, NM_001135243.2 and 3 more transcripts).
Identifiers: ClinVar variation 3060056 (VCV003060056.2), dbSNP rs946305689, ClinGen allele CA129124080.